The following is an entry in ClinVar:

NM_178014.4(TUBB):c.331G>A (p.Glu111Lys)

Gene: TUBB (tubulin beta class I; plus strand). Cytogenetic location: 6p21.33.
Variant type: single nucleotide variant.
Coding change: c.331G>A on transcript NM_178014.4 (MANE Select); coding-DNA position 331, G replaced by A.
Protein change: p.Glu111Lys; replaces glutamic acid 111 with lysine.
Molecular consequence: missense variant.
Genome position (GRCh38, 1-based): chr6:30,723,393, G>A. VCF-style: chr6-30723393-G-A. GRCh37 (hg19) VCF-style: chr6-30691170-G-A.
Other names: c.391G>A, p.Glu131Lys (NM_001293212.2); c.331G>A, p.Glu111Lys (NM_001293213.2); c.199G>A, p.Glu67Lys (NM_001293214.2); c.115G>A, p.Glu39Lys (NM_001293215.2, NM_001293216.2); short protein forms E111K, E131K, E39K, E67K.
Identifiers: ClinVar variation 1806220 (VCV001806220.6), dbSNP rs2536606774, ClinGen allele CA363144763.
Genomic context (GRCh38, chr6:30,723,393, plus strand): 5'-ATTCCAGGTCAGTCTGGGGCAGGTAACAACTGGGCCAAAGGCCACTACACAGAGGGCGCC[G>A]AGCTGGTTGATTCTGTCCTGGATGTGGTACGGAAGGAGGCAGAGAGCTGTGACTGCCTGC-3'
Protein context (NP_821133.1, residues 101-121): WAKGHYTEGA[Glu111Lys]LVDSVLDVVR

ClinVar aggregate classification (germline): Pathogenic/Likely pathogenic. Review status: criteria provided, multiple submitters, no conflicts (2 of 4 stars). 4 submissions from 4 submitters: Pathogenic (2); Likely pathogenic (2). Last evaluated 2026-06-11.

Conditions:
Complex cortical dysplasia with other brain malformations 6. Identifiers: MedGen C4014283, MONDO:0014341, OMIM 615771.
Inborn genetic diseases. Identifiers: MedGen C0950123, MeSH D030342.
TUBB-related disorder. Also called: TUBB-related condition.

Submissions (4):

GeneDx
Classification: Pathogenic. Last evaluated: 2026-06-11. Review status: criteria provided, single submitter. Criteria: GeneDx Variant Classification Process June 2021. Collection method: clinical testing. Allele origin: germline.
Comment: In silico analysis supports that this missense variant has a deleterious effect on protein structure/function; This variant is associated with the following publications: (PMID: 41366559)

Ambry Genetics
Classification: Pathogenic for Inborn genetic diseases. Last evaluated: 2026-03-13. Review status: criteria provided, single submitter. Criteria: Ambry Variant Classification Scheme 2023. Collection method: clinical testing. Allele origin: germline.
Comment: The c.331G>A (p.E111K) alteration is located in exon 4 (coding exon 4) of the TUBB gene. This alteration results from a G to A substitution at nucleotide position 331, causing the glutamic acid (E) at amino acid position 111 to be replaced by a lysine (K). This variant was not reported in population-based cohorts in the Genome Aggregation Database (gnomAD). This variant was reported in individuals with features consistent with TUBB-related multiple congenital anomalies; in at least one individual, it was determined to be de novo (external communication). This amino acid position is highly conserved in available vertebrate species. This missense alteration is located in a region that has a low rate of benign missense variation (Lek, 2016; Firth, 2009). This alteration is predicted to be deleterious by in silico analysis. Based on the available evidence, this alteration is classified as pathogenic.

Blueprint Genetics
Classification: Likely pathogenic for TUBB-related disorders. Last evaluated: 2023-09-20. Review status: criteria provided, single submitter. Criteria: ACMG Guidelines, 2015. Collection method: clinical testing. Allele origin: de novo. Affected: yes. Observed: 1 variant allele.

Victorian Clinical Genetics Services, Murdoch Childrens Research Institute
Classification: Likely pathogenic for Complex cortical dysplasia with other brain malformations 6. Last evaluated: 2022-02-02. Review status: criteria provided, single submitter. Criteria: ACMG Guidelines, 2015. Collection method: clinical testing. Allele origin: germline. Inheritance: Autosomal dominant inheritance.
Comment: Based on the classification scheme VCGS_Germline_v1.3.4, this variant is classified as Likely pathogenic. Following criteria are met: 0102 - Loss of function is a likely mechanism of disease in this gene and is associated with Cortical dysplasia, complex, with other brain malformations 6 (MIM#615771) and Congenital symmetric circumferential skin creases 1 (MIM#156610). (I) 0107 - This gene is associated with autosomal dominant disease. (I) 0200 - Variant is predicted to result in a missense amino acid change from glutamic acid to lysine. (I) 0251 - This variant is heterozygous. (I) 0301 - Variant is absent from gnomAD (both v2 and v3). (SP) 0502 - Missense variant with conflicting in silico predictions and uninformative conservation. (I) 0603 - Missense variant in a region that is highly intolerant to missense variation (high constraint region in DECIPHER). (SP) 0705 - No comparable missense variants have previous evidence for pathogenicity. (I) 0807 - This variant has no previous evidence of pathogenicity. (I) 0905 - No published segregation evidence has been identified for this variant. (I) 1007 - No published functional evidence has been identified for this variant. (SP) Legend: (SP) - Supporting pathogenic, (I) - Information, (SB) - Supporting benign